The following is an entry in ClinVar:

ClinVar aggregate classification (germline): Uncertain significance. Review status: criteria provided, single submitter (1 of 4 stars). 2 submissions from 2 submitters: Uncertain significance (1). 1 of the submissions does not count toward it. Last evaluated 2025-04-23.

Conditions:
MASA syndrome. Also called: ADDUCTED THUMB WITH MENTAL RETARDATION; SPASTIC PARAPLEGIA 1, X-LINKED; MASA (Mental Retardation, Adducted Thumbs, Shuffling Gait, Aphasia) Syndrome, Including SPG1 (X-Linked Complicated Hereditary Spastic Paraplegia Type 1); MASA Syndrome (Mental Retardation, Adducted Thumbs, Shuffling Gait, and Aphasia); CRASH syndrome; CLASPED THUMB AND MENTAL RETARDATION. Identifiers: Orphanet 2466, MedGen C0795953, MONDO:0010559, OMIM 303350.
X-linked hydrocephalus syndrome (HYCX). Also called: X-linked hydrocephalus; X-Linked Hydrocephalus with Stenosis of the Aqueduct of Sylvius (HSAS); X-Linked Hydrocephalus with Stenosis of the Aqueduct of Sylvius; AQUEDUCTAL STENOSIS, X-LINKED; HYDROCEPHALUS, CONGENITAL, X-LINKED. Identifiers: Orphanet 2182, MedGen C0265216, MONDO:0010611, OMIM 307000.
X-linked complicated corpus callosum dysgenesis. Also called: X-Linked Complicated Corpus Callosum Agenesis. Identifiers: Orphanet 1497, MedGen C1839909, MONDO:0010569, OMIM 304100.
Spastic paraplegia. Identifiers: MedGen C0037772, HP:0001258.

Allele frequency attached by ClinVar (database versions not stated): ExAC 0.00002; gnomAD 0.00007.
gnomAD v4.1: 17 of 1,211,213 alleles (0.0014%); highest among the groups gnomAD compares: African/African-American, 0.01%; no homozygotes.

Submissions (2):

Labcorp Genetics (formerly Invitae), Labcorp
Classification: Uncertain significance for Spastic paraplegia. Last evaluated: 2025-04-23. Review status: criteria provided, single submitter. Criteria: Invitae Variant Classification Sherloc (09022015). Collection method: clinical testing. Allele origin: germline.
Comment: This sequence change replaces glycine, which is neutral and non-polar, with arginine, which is basic and polar, at codon 1197 of the L1CAM protein (p.Gly1197Arg). This variant is present in population databases (rs781814421, gnomAD 0.02%), including at least one homozygous and/or hemizygous individual. This variant has not been reported in the literature in individuals affected with L1CAM-related conditions. ClinVar contains an entry for this variant (Variation ID: 988729). Invitae Evidence Modeling of protein sequence and biophysical properties (such as structural, functional, and spatial information, amino acid conservation, physicochemical variation, residue mobility, and thermodynamic stability) has been performed for this missense variant. However, the output from this modeling did not meet the statistical confidence thresholds required to predict the impact of this variant on L1CAM protein function. In summary, the available evidence is currently insufficient to determine the role of this variant in disease. Therefore, it has been classified as a Variant of Uncertain Significance.

Service de Génétique Moléculaire, Hôpital Robert Debré
Classification: Uncertain significance for X-linked complicated corpus callosum dysgenesis; MASA syndrome; X-linked hydrocephalus syndrome. Last evaluated: 2020-09-01. Review status: no assertion criteria provided. Collection method: clinical testing. Allele origin: inherited. Affected: yes. Not counted in ClinVar's aggregate classification.

NM_001278116.2(L1CAM):c.3589G>A (p.Gly1197Arg)

Gene: L1CAM (L1 cell adhesion molecule; minus strand). Cytogenetic location: Xq28.
Variant type: single nucleotide variant.
Coding change: c.3589G>A on transcript NM_001278116.2 (MANE Select); coding-DNA position 3589, G replaced by A.
Protein change: p.Gly1197Arg; replaces glycine 1197 with arginine.
Molecular consequence: missense variant.
Genome position (GRCh38, 1-based): chrX:153,862,848, C>T on the plus strand (G>A on the coding strand, the complement: L1CAM is on the minus strand). VCF-style: chrX-153862848-C-T. GRCh37 (hg19) VCF-style: chrX-153128303-C-T.
Other names: c.3589G>A, p.Gly1197Arg (NM_000425.5); c.3562G>A, p.Gly1188Arg (NM_001143963.2); c.3577G>A, p.Gly1193Arg (NM_024003.3); short protein forms G1188R, G1193R, G1197R.
Identifiers: ClinVar variation 988729 (VCV000988729.4), dbSNP rs781814421, ClinGen allele CA10553898.